The following is an entry in ClinVar:

ClinVar aggregate classification (germline): Uncertain significance (1 of 4 stars; one submission).

Conditions:
Aicardi-Goutieres syndrome 6 (AGS6). Identifiers: Orphanet 51, MedGen C3539013, MONDO:0014007, OMIM 615010.

Submission:

Victorian Clinical Genetics Services, Murdoch Childrens Research Institute
Classification: Uncertain significance for Aicardi-Goutieres syndrome 6. Last evaluated: 2024-10-08. Review status: criteria provided, single submitter. Criteria: ACMG Guidelines, 2015. Collection method: clinical testing. Allele origin: germline. Inheritance: Autosomal recessive inheritance.
Comment: Based on the classification scheme VCGS_Germline_v1.3.4, this variant is classified as VUS-3A. Following criteria are met: 0103 - Dominant negative and loss of function are known mechanisms of disease in this gene and are associated with Aicardi-Goutieres syndrome 6 (AGS 6; MIM#615010) and dyschromatosis symmetrica hereditarian (DSH; MIM#127400). The dominant negative mechanism has only been reported for a single variant, p.(Gly1007Arg), whereas all other variants have been reported with a loss of function mechanism (PMID: 23001123, 28561207, OMIM). (I) 0108 - This gene is associated with both recessive and dominant disease. AGS is predominantly a recessive condition, caused by variants found within isoform p150. The p.(Gly1007Arg) variant is the only dominantly-acting variant to cause AGS. DHS is a dominant condition caused by variants found within isoform p110 (PMID: 25456137, 23001123). (I) 0112 - The condition associated with this gene has incomplete penetrance. This variant p.(Gly1007Arg) has been reported in probands with unaffected parents (PMID: 28561207). (I) 0115 - Variants in this gene are known to have variable expressivity (OMIM). (I) 0200 - Variant is predicted to result in a missense amino acid change from valine to isoleucine. (I) 0251 - This variant is heterozygous. (I) 0301 - Variant is absent from gnomAD (both v2 and v3). (SP) 0309 - An alternative amino acid change at the same position has been observed in gnomAD (v2) (1 heterozygote, 0 homozygotes). (I) 0503 - Missense variant consistently predicted to be tolerated by multiple in silico tools or not conserved in placental mammals with a minor amino acid change. (SB) 0604 - Variant is not located in an established domain, motif, hotspot or informative constraint region. (I) 0705 - No comparable missense variants have previous evidence for pathogenicity. (I) 0807 - This variant has no previous evidence of pathogenicity. (I) 0905 - No published segregation evidence has been identified for this variant. (I) 1007 - No published functional evidence has been identified for this variant. (SP) Legend: (SP) - Supporting pathogenic, (I) - Information, (SB) - Supporting benign

Literature cited by the submitters: PubMed 23001123; PubMed 25456137; PubMed 28561207.

NM_001111.5(ADAR):c.1339G>A (p.Val447Ile)

Gene: ADAR (adenosine deaminase RNA specific; minus strand). Cytogenetic location: 1q21.3.
Variant type: single nucleotide variant.
Coding change: c.1339G>A on transcript NM_001111.5 (MANE Select); coding-DNA position 1339, G replaced by A.
Protein change: p.Val447Ile; replaces valine 447 with isoleucine.
Molecular consequence: missense variant.
Genome position (GRCh38, 1-based): chr1:154,601,303, C>T on the plus strand (G>A on the coding strand, the complement: ADAR is on the minus strand). VCF-style: chr1-154601303-C-T. GRCh37 (hg19) VCF-style: chr1-154573779-C-T.
Other names: c.454G>A, p.Val152Ile (NM_001025107.3, NM_001193495.2, NM_001365046.1 and 3 more transcripts); c.1366G>A, p.Val456Ile (NM_001365045.1); c.1339G>A, p.Val447Ile (NM_015840.4, NM_015841.4); short protein forms V152I, V447I, V456I.
Identifiers: ClinVar variation 3376990 (VCV003376990.1).